The following is an entry in ClinVar:

NM_001390846.1(VWA5B2):c.474G>T (p.Pro158=)

Gene: VWA5B2 (von Willebrand factor A domain containing 5B2; plus strand). Cytogenetic location: 3q27.1.
Variant type: single nucleotide variant.
Coding change: c.474G>T on transcript NM_001390846.1 (MANE Select); coding-DNA position 474, G replaced by T.
Protein change: p.Pro158=; no amino-acid change (proline 158 retained).
Molecular consequence: synonymous variant. On other transcripts: 5 prime UTR variant (3).
Genome position (GRCh38, 1-based): chr3:184,233,341, G>T. VCF-style: chr3-184233341-G-T. GRCh37 (hg19) VCF-style: chr3-183951129-G-T.
Other names: c.474G>T, p.Pro158= (NM_001390839.1, NM_001390841.1, NM_001390842.1 and 3 more transcripts); c.-241G>T (NM_001390840.1, NM_001390847.1, NM_001320373.3).
Identifiers: ClinVar variation 2654310 (VCV002654310.24), dbSNP rs560850383, ClinGen allele CA88866019.

ClinVar aggregate classification (germline): Likely benign (1 of 4 stars; one submission).

Allele frequency attached by ClinVar (database versions not stated): gnomAD 0.00001; 1000 Genomes Project 30x 0.00016; 1000 Genomes Project 0.00040.
gnomAD v4.1: 14 of 1,536,348 alleles (0.00091%); highest among the groups gnomAD compares: Middle Eastern, 0.034%; no homozygotes.

Submission:

CeGaT Center for Human Genetics Tuebingen
Classification: Likely benign. Last evaluated: 2022-06-01. Review status: criteria provided, single submitter. Criteria: CeGaT Center For Human Genetics Tuebingen Variant Classification Criteria Version 2. Collection method: clinical testing. Allele origin: germline. Affected: yes. Observed: 1 variant allele.
Comment: VWA5B2: BP4, BP7